The following is an entry in ClinVar:

ClinVar aggregate classification (germline): Uncertain significance (1 of 4 stars; one submission).

Conditions:
Mitochondrial complex II deficiency, nuclear type 1. Also called: SUCCINATE CoQ REDUCTASE DEFICIENCY. Identifiers: Orphanet 3208, MedGen C5700310, MONDO:0100294, OMIM 252011.
Pheochromocytoma/paraganglioma syndrome 5. Also called: Paragangliomas 5; SDHA-Related Hereditary Paraganglioma-Pheochromocytoma Syndrome. Identifiers: Orphanet 29072, MedGen C3279992, MONDO:0013602, OMIM 614165.

Submission:

Labcorp Genetics (formerly Invitae), Labcorp
Classification: Uncertain significance for Pheochromocytoma/paraganglioma syndrome 5; Mitochondrial complex II deficiency, nuclear type 1. Last evaluated: 2023-12-22. Review status: criteria provided, single submitter. Criteria: Invitae Variant Classification Sherloc (09022015). Collection method: clinical testing. Allele origin: germline.
Comment: This sequence change falls in intron 11 of the SDHA gene. It does not directly change the encoded amino acid sequence of the SDHA protein. It affects a nucleotide within the consensus splice site. This variant is not present in population databases (gnomAD no frequency). This variant has not been reported in the literature in individuals affected with SDHA-related conditions. ClinVar contains an entry for this variant (Variation ID: 1006344). Variants that disrupt the consensus splice site are a relatively common cause of aberrant splicing (PMID: 17576681, 9536098). Algorithms developed to predict the effect of sequence changes on RNA splicing suggest that this variant is not likely to affect RNA splicing. In summary, the available evidence is currently insufficient to determine the role of this variant in disease. Therefore, it has been classified as a Variant of Uncertain Significance.

Literature cited by the submitters: PubMed 17576681; PubMed 9536098.

NM_004168.4(SDHA):c.1551+4A>T

Gene: SDHA (succinate dehydrogenase complex flavoprotein subunit A; plus strand). Cytogenetic location: 5p15.33.
Variant type: single nucleotide variant.
Coding change: c.1551+4A>T on transcript NM_004168.4 (MANE Select); 4 bases into the intron after coding-DNA position 1551, A replaced by T.
Molecular consequence: intron variant.
Genome position (GRCh38, 1-based): chr5:240,480, A>T. VCF-style: chr5-240480-A-T. GRCh37 (hg19) VCF-style: chr5-240595-A-T.
Other names: c.1551+4A>T (NM_001330758.2); c.1407+4A>T (NM_001294332.2).
Identifiers: ClinVar variation 1006344 (VCV001006344.7), dbSNP rs928294715, ClinGen allele CA1521988167.